The following is an entry in ClinVar:

NM_015102.5(NPHP4):c.4057A>G (p.Thr1353Ala)

Gene: NPHP4 (nephrocystin 4; minus strand). Cytogenetic location: 1p36.31.
Variant type: single nucleotide variant.
Coding change: c.4057A>G on transcript NM_015102.5 (MANE Select); coding-DNA position 4057, A replaced by G.
Protein change: p.Thr1353Ala; replaces threonine 1353 with alanine.
Molecular consequence: missense variant. On other transcripts: non-coding transcript variant (1).
Genome position (GRCh38, 1-based): chr1:5,863,973, T>C on the plus strand (A>G on the coding strand, the complement: NPHP4 is on the minus strand). VCF-style: chr1-5863973-T-C. GRCh37 (hg19) VCF-style: chr1-5924033-T-C.
Other names: c.2518A>G, p.Thr840Ala (NM_001291593.2); c.2521A>G, p.Thr841Ala (NM_001291594.2); c.4057A>G (NM_015102.4); short protein forms T1353A, T840A, T841A.
Identifiers: ClinVar variation 1061435 (VCV001061435.10), dbSNP rs950615557, ClinGen allele CA17124862.
Genomic context (GRCh38, chr1:5,863,973, plus strand): 5'-GCAGCAGCTCCGGGTGGTCGCTGTGCAGGTGGAATGTCCTCCGGGAGGGGTAGGGGTTGG[T>C]GTAGGTGATCCTCTTGTTGACACCCTTCCCTTCGCCCGCAGCCAACATGATCTCAAAGGC-3'
Protein context (NP_055917.1, residues 1343-1363): GKGVNKRITY[Thr1353Ala]NPYPSRRTFH

ClinVar aggregate classification (germline): Uncertain significance. Review status: criteria provided, multiple submitters, no conflicts (2 of 4 stars). 2 submissions from 2 submitters: Uncertain significance (2). Last evaluated 2026-01-06.

Conditions:
NPHP4-related disorder. Also called: NPHP4-related disorders; NPHP4-related condition. Identifiers: MedGen CN239384.
Nephronophthisis. Also called: Juvenile Nephronophthisis. Identifiers: Orphanet 655, MedGen C0687120, MONDO:0019005, HP:0000090.

Allele frequency attached by ClinVar (database versions not stated): gnomAD 0.00001; TOPMed 0.00001.
gnomAD v4.1: 2 of 1,613,642 alleles (0.00012%); highest among the groups gnomAD compares: African/African-American, 0.0027%; no homozygotes.

Submissions (2):

PreventionGenetics, part of Exact Sciences
Classification: Uncertain significance for NPHP4-related condition. Last evaluated: 2026-01-06. Review status: criteria provided, single submitter. Criteria: ACMG Guidelines, 2015. Collection method: clinical testing. Allele origin: germline.
Comment: The NPHP4 c.4057A>G variant is predicted to result in the amino acid substitution p.Thr1353Ala. To our knowledge, this variant has not been reported in the literature or in a large population database (gnomAD), indicating this variant is rare. At this time, the clinical significance of this variant is uncertain due to the absence of conclusive functional and genetic evidence.

Labcorp Genetics (formerly Invitae), Labcorp
Classification: Uncertain significance for Nephronophthisis. Last evaluated: 2022-07-12. Review status: criteria provided, single submitter. Criteria: Invitae Variant Classification Sherloc (09022015). Collection method: clinical testing. Allele origin: germline.
Comment: This sequence change replaces threonine, which is neutral and polar, with alanine, which is neutral and non-polar, at codon 1353 of the NPHP4 protein (p.Thr1353Ala). This variant is not present in population databases (gnomAD no frequency). This variant has not been reported in the literature in individuals affected with NPHP4-related conditions. ClinVar contains an entry for this variant (Variation ID: 1061435). Algorithms developed to predict the effect of missense changes on protein structure and function are either unavailable or do not agree on the potential impact of this missense change (SIFT: "Tolerated"; PolyPhen-2: "Possibly Damaging"; Align-GVGD: "Class C0"). In summary, the available evidence is currently insufficient to determine the role of this variant in disease. Therefore, it has been classified as a Variant of Uncertain Significance.